The following is an entry in ClinVar:

NM_014956.5(CEP164):c.376C>T (p.Pro126Ser)

Gene: CEP164 (centrosomal protein 164; plus strand). Cytogenetic location: 11q23.3.
Variant type: single nucleotide variant.
Coding change: c.376C>T on transcript NM_014956.5 (MANE Select); coding-DNA position 376, C replaced by T.
Protein change: p.Pro126Ser; replaces proline 126 with serine.
Molecular consequence: missense variant.
Genome position (GRCh38, 1-based): chr11:117,351,971, C>T. VCF-style: chr11-117351971-C-T. GRCh37 (hg19) VCF-style: chr11-117222687-C-T.
Other names: c.376C>T, p.Pro126Ser (NM_001271933.2, NM_001440949.1, NM_001440950.1 and 36 more transcripts); c.238C>T, p.Pro80Ser (NM_001440960.1); short protein forms P126S, P80S.
Identifiers: ClinVar variation 4986881 (VCV004986881.1).

ClinVar aggregate classification (germline): Uncertain significance (1 of 4 stars; one submission).

Conditions:
CEP164-related disorder. Also called: CEP164-related condition.

gnomAD v4.1: 5 of 1,587,878 alleles (0.00031%); highest among the groups gnomAD compares: African/African-American, 0.004%; no homozygotes.

Submission:

PreventionGenetics, part of Exact Sciences
Classification: Uncertain significance for CEP164-related condition. Last evaluated: 2024-11-15. Review status: criteria provided, single submitter. Criteria: ACMG Guidelines, 2015. Collection method: clinical testing. Allele origin: germline.
Comment: The CEP164 c.376C>T variant is predicted to result in the amino acid substitution p.Pro126Ser. To our knowledge, this variant has not been reported in the literature. This variant is reported in 0.017% of alleles in individuals of African descent in gnomAD. At this time, the clinical significance of this variant is uncertain due to the absence of conclusive functional and genetic evidence.